The following is an entry in ClinVar:

NM_053025.4(MYLK):c.3074C>T (p.Pro1025Leu)

Gene: MYLK (myosin light chain kinase; minus strand). Cytogenetic location: 3q21.1.
Variant type: single nucleotide variant.
Coding change: c.3074C>T on transcript NM_053025.4 (MANE Select); coding-DNA position 3074, C replaced by T.
Protein change: p.Pro1025Leu; replaces proline 1025 with leucine.
Molecular consequence: missense variant.
Genome position (GRCh38, 1-based): chr3:123,700,394, G>A on the plus strand (C>T on the coding strand, the complement: MYLK is on the minus strand). VCF-style: chr3-123700394-G-A. GRCh37 (hg19) VCF-style: chr3-123419241-G-A.
Other names: c.2546C>T, p.Pro849Leu (NM_001321309.2); c.2867C>T, p.Pro956Leu (NM_053026.4, NM_053028.4); c.3074C>T, p.Pro1025Leu (NM_053027.4); short protein forms P1025L, P956L, P849L.
Identifiers: ClinVar variation 4825149 (VCV004825149.1).

ClinVar aggregate classification (germline): Uncertain significance (1 of 4 stars; one submission).

Conditions:
Familial thoracic aortic aneurysm and aortic dissection (TAAD). Also called: Thoracic aortic aneurysms and dissections. Identifiers: Orphanet 91387, MedGen C4707243, MONDO:0019625.

gnomAD v4.1: 2 of 1,613,682 alleles (0.00012%); highest among the groups gnomAD compares: Non-Finnish European, 0.00017%; no homozygotes.

Submission:

Ambry Genetics
Classification: Uncertain significance for Familial thoracic aortic aneurysm and aortic dissection. Last evaluated: 2026-02-19. Review status: criteria provided, single submitter. Criteria: Ambry Variant Classification Scheme 2023. Collection method: clinical testing. Allele origin: germline.
Comment: The p.P1025L variant (also known as c.3074C>T), located in coding exon 15 of the MYLK gene, results from a C to T substitution at nucleotide position 3074. The proline at codon 1025 is replaced by leucine, an amino acid with similar properties. This amino acid position is conserved. In addition, this alteration is predicted to be tolerated by in silico analysis. Based on the available evidence, the clinical significance of this variant remains unclear.